The following is an entry in ClinVar:

NM_002775.5(HTRA1):c.92C>T (p.Ala31Val)

Gene: HTRA1 (HtrA serine peptidase 1; plus strand). Cytogenetic location: 10q26.13.
Variant type: single nucleotide variant.
Coding change: c.92C>T on transcript NM_002775.5 (MANE Select); coding-DNA position 92, C replaced by T.
Protein change: p.Ala31Val; replaces alanine 31 with valine.
Molecular consequence: missense variant.
Genome position (GRCh38, 1-based): chr10:122,461,744, C>T. VCF-style: chr10-122461744-C-T. GRCh37 (hg19) VCF-style: chr10-124221260-C-T.
Other names: c.92C>T (NM_002775.4); short protein forms A31V.
Identifiers: ClinVar variation 1701151 (VCV001701151.35), dbSNP rs1381357974, ClinGen allele CA378605427.

ClinVar aggregate classification (germline): Uncertain significance. Review status: criteria provided, multiple submitters, no conflicts (2 of 4 stars). 3 submissions from 3 submitters: Uncertain significance (3). Last evaluated 2024-09-03.

Conditions:
Inborn genetic diseases. Identifiers: MedGen C0950123, MeSH D030342.

Allele frequency attached by ClinVar (database versions not stated): gnomAD 0.00003; TOPMed 0.00004; gnomAD exomes 0.00008.
gnomAD v4.1: 47 of 1,137,730 alleles (0.0041%); highest among the groups gnomAD compares: Admixed American, 0.0085%; no homozygotes.

Submissions (3):

Ambry Genetics
Classification: Uncertain significance for Inborn genetic diseases. Last evaluated: 2024-09-03. Review status: criteria provided, single submitter. Criteria: Ambry Variant Classification Scheme 2023. Collection method: clinical testing. Allele origin: germline.

Labcorp Genetics (formerly Invitae), Labcorp
Classification: Uncertain significance. Last evaluated: 2023-09-07. Review status: criteria provided, single submitter. Criteria: Invitae Variant Classification Sherloc (09022015). Collection method: clinical testing. Allele origin: germline.
Comment: This sequence change replaces alanine, which is neutral and non-polar, with valine, which is neutral and non-polar, at codon 31 of the HTRA1 protein (p.Ala31Val). The frequency data for this variant in the population databases is considered unreliable, as metrics indicate poor data quality at this position in the gnomAD database. This variant has not been reported in the literature in individuals affected with HTRA1-related conditions. ClinVar contains an entry for this variant (Variation ID: 1701151). An algorithm developed to predict the effect of missense changes on protein structure and function (PolyPhen-2) suggests that this variant is likely to be tolerated. In summary, the available evidence is currently insufficient to determine the role of this variant in disease. Therefore, it has been classified as a Variant of Uncertain Significance.

CeGaT Center for Human Genetics Tuebingen
Classification: Uncertain significance. Last evaluated: 2022-07-01. Review status: criteria provided, single submitter. Criteria: CeGaT Center For Human Genetics Tuebingen Variant Classification Criteria Version 2. Collection method: clinical testing. Allele origin: germline. Affected: yes. Observed: 1 variant allele.